The following is an entry in ClinVar:

NM_000368.5(TSC1):c.2208+17G>A

Gene: TSC1 (TSC complex subunit 1; minus strand). Cytogenetic location: 9q34.13.
Variant type: single nucleotide variant.
Coding change: c.2208+17G>A on transcript NM_000368.5 (MANE Select); 17 bases into the intron after coding-DNA position 2208, G replaced by A.
Molecular consequence: intron variant.
Genome position (GRCh38, 1-based): chr9:132,903,634, C>T on the plus strand (G>A on the coding strand, the complement: TSC1 is on the minus strand). VCF-style: chr9-132903634-C-T. GRCh37 (hg19) VCF-style: chr9-135779021-C-T.
Other names: c.1845+17G>A (NM_001362177.2); c.2055+17G>A (NM_001162427.2); c.2205+17G>A (NM_001162426.2).
Identifiers: ClinVar variation 390243 (VCV000390243.8), dbSNP rs1057523691, ClinGen allele CA16605550.

ClinVar aggregate classification (germline): Likely benign. Review status: criteria provided, multiple submitters, no conflicts (2 of 4 stars). 2 submissions from 2 submitters: Likely benign (2). Last evaluated 2024-05-31.

Conditions:
Tuberous sclerosis 1 (TSC1). Identifiers: Orphanet 805, MedGen C1854465, MONDO:0008612, OMIM 191100.

Allele frequency attached by ClinVar (database versions not stated): gnomAD exomes below 0.00001.
gnomAD v4.1: 4 of 1,611,990 alleles (0.00025%); highest among the groups gnomAD compares: South Asian, 0.0011%; no homozygotes.

Submissions (2):

Labcorp Genetics (formerly Invitae), Labcorp
Classification: Likely benign for Tuberous sclerosis 1. Last evaluated: 2024-05-31. Review status: criteria provided, single submitter. Criteria: Invitae Variant Classification Sherloc (09022015). Collection method: clinical testing. Allele origin: germline.

GeneDx
Classification: Likely benign. Last evaluated: 2016-10-21. Review status: criteria provided, single submitter. Criteria: GeneDx Variant Classification (06012015). Collection method: clinical testing. Allele origin: germline. Affected: yes.
Comment: This variant is considered likely benign or benign based on one or more of the following criteria: it is a conservative change, it occurs at a poorly conserved position in the protein, it is predicted to be benign by multiple in silico algorithms, and/or has population frequency not consistent with disease.